The following is an entry in ClinVar:

ClinVar aggregate classification (germline): Uncertain significance (1 of 4 stars; one submission).

gnomAD v4.1: 1 of 1,497,060 alleles (0.000067%); highest among the groups gnomAD compares: Non-Finnish European, 0.000088%; no homozygotes.

Submission:

Women's Health and Genetics/Laboratory Corporation of America, LabCorp
Classification: Uncertain significance. Last evaluated: 2025-07-22. Review status: criteria provided, single submitter. Criteria: LabCorp Variant Classification Summary - May 2015. Collection method: clinical testing. Allele origin: germline.
Comment: Variant summary: CEP290 c.942G>A (p.Lys314Lys) alters a conserved nucleotide located close to a canonical splice site and therefore could affect mRNA splicing, leading to a significantly altered protein sequence. Several computational tools predict a significant impact on normal splicing: Two predict the variant abolishes the canonical 5' splicing donor site. One predict the variant weakens the canonical 5' donor site. One predict the variant no significant impact on splicing. However, these predictions have yet to be confirmed by functional studies. The variant was absent in 162228 control chromosomes. The available data on variant occurrences in the general population are insufficient to allow any conclusion about variant significance. To our knowledge, no occurrence of c.942G>A in individuals affected with Meckel Syndrome Type 4 and no experimental evidence demonstrating its impact on protein function have been reported. No submitters have cited clinical-significance assessments for this variant to ClinVar. Based on the evidence outlined above, the variant was classified as uncertain significance.

NM_025114.4(CEP290):c.942G>A (p.Lys314=)

Gene: CEP290 (centrosomal protein 290; minus strand). Cytogenetic location: 12q21.32.
Variant type: single nucleotide variant.
Coding change: c.942G>A on transcript NM_025114.4 (MANE Select); coding-DNA position 942, G replaced by A.
Protein change: p.Lys314=; no amino-acid change (lysine 314 retained).
Molecular consequence: synonymous variant.
Genome position (GRCh38, 1-based): chr12:88,128,946, C>T on the plus strand (G>A on the coding strand, the complement: CEP290 is on the minus strand). VCF-style: chr12-88128946-C-T. GRCh37 (hg19) VCF-style: chr12-88522723-C-T.
Identifiers: ClinVar variation 4525698 (VCV004525698.1).